The following is an entry in ClinVar:

NM_002907.4(RECQL):c.1797+5A>G

Genes: PYROXD1 (pyridine nucleotide-disulphide oxidoreductase domain 1; plus strand), RECQL (RecQ like helicase; minus strand). Cytogenetic location: 12p12.1.
Variant type: single nucleotide variant.
Coding change: c.1797+5A>G on transcript NM_002907.4 (MANE Select); 5 bases into the intron after coding-DNA position 1797, A replaced by G.
Molecular consequence: intron variant. On other transcripts: 3 prime UTR variant (3).
Genome position (GRCh38, 1-based): chr12:21,470,964, T>C on the plus strand (A>G on the coding strand, the complement: RECQL is on the minus strand). VCF-style: chr12-21470964-T-C. GRCh37 (hg19) VCF-style: chr12-21623898-T-C.
Other names: c.*2210T>C (NM_001350912.2, NM_001350913.2, NM_024854.5); c.1797+5A>G (NM_032941.3).
Identifiers: ClinVar variation 2051979 (VCV002051979.4), dbSNP rs2540312893, ClinGen allele CA2580085258.

ClinVar aggregate classification (germline): Uncertain significance (1 of 4 stars; one submission).

Allele frequency attached by ClinVar (database versions not stated): gnomAD exomes below 0.00001.
gnomAD v4.1: 1 of 1,511,804 alleles (0.000066%); highest among the groups gnomAD compares: East Asian, 0.0025%; no homozygotes.

Submission:

Labcorp Genetics (formerly Invitae), Labcorp
Classification: Uncertain significance. Last evaluated: 2022-08-29. Review status: criteria provided, single submitter. Criteria: Invitae Variant Classification Sherloc (09022015). Collection method: clinical testing. Allele origin: germline.
Comment: In summary, the available evidence is currently insufficient to determine the role of this variant in disease. Therefore, it has been classified as a Variant of Uncertain Significance. Variants that disrupt the consensus splice site are a relatively common cause of aberrant splicing (PMID: 17576681, 9536098). Algorithms developed to predict the effect of sequence changes on RNA splicing suggest that this variant is not likely to affect RNA splicing. This variant has not been reported in the literature in individuals affected with RECQL-related conditions. This variant is not present in population databases (gnomAD no frequency). This sequence change falls in intron 14 of the RECQL gene. It does not directly change the encoded amino acid sequence of the RECQL protein. It affects a nucleotide within the consensus splice site.

Literature cited by the submitters: PubMed 17576681; PubMed 9536098.